The following is an entry in ClinVar:

NM_006939.4(SOS2):c.858+40A>G

Gene: SOS2 (SOS Ras/Rho guanine nucleotide exchange factor 2; minus strand). Cytogenetic location: 14q21.3.
Variant type: single nucleotide variant.
Coding change: c.858+40A>G on transcript NM_006939.4 (MANE Select); 40 bases into the intron after coding-DNA position 858, A replaced by G.
Molecular consequence: intron variant.
Genome position (GRCh38, 1-based): chr14:50,182,423, T>C on the plus strand (A>G on the coding strand, the complement: SOS2 is on the minus strand). VCF-style: chr14-50182423-T-C. GRCh37 (hg19) VCF-style: chr14-50649141-T-C.
Identifiers: ClinVar variation 561631 (VCV000561631.2), dbSNP rs148013479, ClinGen allele CA7177431.

ClinVar aggregate classification (germline): Likely benign. Review status: criteria provided, multiple submitters, no conflicts (2 of 4 stars). 2 submissions from 2 submitters: Likely benign (2). Last evaluated 2018-06-14.

Allele frequency attached by ClinVar (database versions not stated): 1000 Genomes Project 0.00419; 1000 Genomes Project 30x 0.00453; TOPMed 0.01113; gnomAD 0.01180 and 0.01208; ESP Exome Variant Server 0.01230; ExAC 0.01273; gnomAD exomes 0.01275 and 0.01506.
gnomAD v4.1: 23,392 of 1,586,730 alleles (1.5%); highest among the groups gnomAD compares: Non-Finnish European, 1.6%; 205 homozygotes.

Submissions (2):

GeneDx
Classification: Likely benign. Last evaluated: 2018-06-14. Review status: criteria provided, single submitter. Criteria: GeneDx Variant Classification (06012015). Collection method: clinical testing. Allele origin: germline. Affected: yes.
Comment: This variant is considered likely benign or benign based on one or more of the following criteria: it is a conservative change, it occurs at a poorly conserved position in the protein, it is predicted to be benign by multiple in silico algorithms, and/or has population frequency not consistent with disease.

Breakthrough Genomics
Classification: Likely benign. Review status: criteria provided, single submitter. Criteria: ACMG Guidelines, 2015. Collection method: not provided. Allele origin: germline. Inheritance: Autosomal dominant inheritance. Affected: yes.